The following is an entry in ClinVar:

ClinVar aggregate classification (germline): Uncertain significance (1 of 4 stars; one submission).

Conditions:
Cernunnos-XLF deficiency (IMD124). Also called: SCID, AUTOSOMAL RECESSIVE, T CELL-NEGATIVE, B CELL-NEGATIVE, NK CELL-POSITIVE, WITH MICROCEPHALY, GROWTH RETARDATION, AND SENSITIVITY TO IONIZING RADIATION; NHEJ1 SYNDROME; Severe combined immunodeficiency with sensitivity to ionizing radiation due to NHEJ1 deficiency; SCID, autosomal recessive, T cell-negative, B cell-negative, NK cell-positive, and sensitivity to ionizing radiation due to NHEJ1 deficiency; IMMUNODEFICIENCY 124, SEVERE COMBINED. Identifiers: Orphanet 169079, MedGen C1969799, MONDO:0012650, OMIM 611291.

Allele frequency attached by ClinVar (database versions not stated): gnomAD 0.00001; ExAC 0.00002; gnomAD exomes 0.00002; TOPMed 0.00002.
gnomAD v4.1: 25 of 1,612,328 alleles (0.0016%); highest among the groups gnomAD compares: East Asian, 0.0045%; no homozygotes.

Submission:

Labcorp Genetics (formerly Invitae), Labcorp
Classification: Uncertain significance for Cernunnos-XLF deficiency. Last evaluated: 2022-07-19. Review status: criteria provided, single submitter. Criteria: Invitae Variant Classification Sherloc (09022015). Collection method: clinical testing. Allele origin: germline.
Comment: In summary, the available evidence is currently insufficient to determine the role of this variant in disease. Therefore, it has been classified as a Variant of Uncertain Significance. Algorithms developed to predict the effect of sequence changes on RNA splicing suggest that this variant may create or strengthen a splice site. ClinVar contains an entry for this variant (Variation ID: 653961). This variant has not been reported in the literature in individuals affected with NHEJ1-related conditions. This variant is present in population databases (rs754484855, gnomAD 0.01%). This sequence change affects codon 234 of the NHEJ1 mRNA. It is a 'silent' change, meaning that it does not change the encoded amino acid sequence of the NHEJ1 protein.

NM_024782.3(NHEJ1):c.702C>T (p.Gly234=)

Gene: NHEJ1 (non-homologous end joining factor 1; minus strand). Cytogenetic location: 2q35.
Variant type: single nucleotide variant.
Coding change: c.702C>T on transcript NM_024782.3 (MANE Select); coding-DNA position 702, C replaced by T.
Protein change: p.Gly234=; no amino-acid change (glycine 234 retained).
Molecular consequence: synonymous variant. On other transcripts: non-coding transcript variant (1).
Genome position (GRCh38, 1-based): chr2:219,078,093, G>A on the plus strand (C>T on the coding strand, the complement: NHEJ1 is on the minus strand). VCF-style: chr2-219078093-G-A. GRCh37 (hg19) VCF-style: chr2-219942815-G-A.
Other names: c.702C>T, p.Gly234= (NM_001377498.1, NM_001377499.1).
Identifiers: ClinVar variation 653961 (VCV000653961.6), dbSNP rs754484855, ClinGen allele CA2116898.
Genomic context (GRCh38, chr2:219,078,093, plus strand): 5'-TAAACCTAGATCCTAATTGTATCCTCACACAGACCGGGTACCTCTGGAGGGCTCACCAGC[G>A]CCTTGATGCTTCTGTCCCACTTGGACCTCTTGTGTGGTGACTGCCATATACAGATCCTGC-3'
Protein context (NP_079058.1, residues 224-244): QEVQVGQKHQ[Gly234=]AGDPHTSNSA